The following is an entry in ClinVar:

NM_001282507.2(NPIPA7):c.277C>T (p.Arg93Cys)

Gene: NPIPA7 (nuclear pore complex interacting protein family member A7; plus strand). Cytogenetic location: 16p13.11.
Variant type: single nucleotide variant.
Coding change: c.277C>T on transcript NM_001282507.2 (MANE Select); coding-DNA position 277, C replaced by T.
Protein change: p.Arg93Cys; replaces arginine 93 with cysteine.
Molecular consequence: missense variant.
Genome position (GRCh38, 1-based): chr16:16,387,483, C>T. VCF-style: chr16-16387483-C-T. GRCh37 (hg19) VCF-style: chr16-16481340-C-T.
Other names: short protein forms R93C.
Identifiers: ClinVar variation 3024669 (VCV003024669.22), dbSNP rs879335983, ClinGen allele CA279018458.

ClinVar aggregate classification (germline): Likely benign (1 of 4 stars; one submission).

Allele frequency attached by ClinVar (database versions not stated): 1000 Genomes Project 30x 0.00390.

Submission:

CeGaT Center for Human Genetics Tuebingen
Classification: Likely benign. Last evaluated: 2024-02-01. Review status: criteria provided, single submitter. Criteria: CeGaT Center For Human Genetics Tuebingen Variant Classification Criteria Version 2. Collection method: clinical testing. Allele origin: germline. Affected: yes. Observed: 1 variant allele.
Comment: NPIPA7: BP4